The following is an entry in ClinVar:

NM_000211.5(ITGB2):c.974G>A (p.Arg325Lys)

Gene: ITGB2 (integrin subunit beta 2; minus strand). Cytogenetic location: 21q22.3.
Variant type: single nucleotide variant.
Coding change: c.974G>A on transcript NM_000211.5 (MANE Select); coding-DNA position 974, G replaced by A.
Protein change: p.Arg325Lys; replaces arginine 325 with lysine.
Molecular consequence: missense variant.
Genome position (GRCh38, 1-based): chr21:44,899,086, C>T on the plus strand (G>A on the coding strand, the complement: ITGB2 is on the minus strand). VCF-style: chr21-44899086-C-T. GRCh37 (hg19) VCF-style: chr21-46319001-C-T.
Other names: c.974G>A, p.Arg325Lys (NM_001127491.3); c.767G>A, p.Arg256Lys (NM_001303238.2); short protein forms R256K, R325K.
Identifiers: ClinVar variation 2112006 (VCV002112006.4), dbSNP rs758815125, ClinGen allele CA10062987.
Genomic context (GRCh38, chr21:44,899,086, plus strand): 5'-TGCCCCCACCCAATGGATGCTCGGGACCCAACAGCACTCACCTCGTAGGTCTTCACCATC[C>T]TACTGGTCACCGCGAAGATGGGCTGGATGTTGTTTTCAGCCAGCTTGTGCGCCAGCTGGC-3'
Protein context (NP_000202.3, residues 315-335): NIQPIFAVTS[Arg325Lys]MVKTYEKLTE

ClinVar aggregate classification (germline): Uncertain significance (1 of 4 stars; one submission).

Conditions:
Leukocyte adhesion deficiency 1 (LAD1). Also called: LEUKOCYTE ADHESION DEFICIENCY, TYPE I; LAD 1; Lymphocyte function-associated antigen 1 immunodeficiency; LFA 1 immunodeficiency. Identifiers: Orphanet 2968, Orphanet 99842, MedGen C0398738, MONDO:0007293, OMIM 116920.

Allele frequency attached by ClinVar (database versions not stated): ExAC 0.00001; gnomAD exomes 0.00001.
gnomAD v4.1: 4 of 1,614,062 alleles (0.00025%); highest among the groups gnomAD compares: East Asian, 0.0089%; no homozygotes.

Submission:

Labcorp Genetics (formerly Invitae), Labcorp
Classification: Uncertain significance for Leukocyte adhesion deficiency 1. Last evaluated: 2022-03-14. Review status: criteria provided, single submitter. Criteria: Invitae Variant Classification Sherloc (09022015). Collection method: clinical testing. Allele origin: germline.
Comment: This variant is present in population databases (rs758815125, gnomAD 0.02%). This sequence change replaces arginine, which is basic and polar, with lysine, which is basic and polar, at codon 325 of the ITGB2 protein (p.Arg325Lys). In summary, the available evidence is currently insufficient to determine the role of this variant in disease. Therefore, it has been classified as a Variant of Uncertain Significance. Algorithms developed to predict the effect of missense changes on protein structure and function output the following: SIFT: "Tolerated"; PolyPhen-2: "Benign"; Align-GVGD: "Class C0". The lysine amino acid residue is found in multiple mammalian species, which suggests that this missense change does not adversely affect protein function. This variant has not been reported in the literature in individuals affected with ITGB2-related conditions.